The following is an entry in ClinVar:

ClinVar aggregate classification (germline): Uncertain significance. Review status: criteria provided, multiple submitters, no conflicts (2 of 4 stars). 3 submissions from 3 submitters: Uncertain significance (3). Last evaluated 2025-11-20.

Conditions:
MTMR14-related disorder. Also called: MTMR14-related condition.

gnomAD v4.1: 1 of 1,614,120 alleles (0.000062%); highest among the groups gnomAD compares: African/African-American, 0.0013%; no homozygotes.

Submissions (3):

PreventionGenetics, part of Exact Sciences
Classification: Uncertain significance for MTMR14-related condition. Last evaluated: 2025-11-20. Review status: criteria provided, single submitter. Criteria: ACMG Guidelines, 2015. Collection method: clinical testing. Allele origin: germline.
Comment: The MTMR14 c.224C>G variant is predicted to result in the amino acid substitution p.Pro75Arg. To our knowledge, this variant has not been reported in the literature or in a large population database (gnomAD), indicating this variant is rare. At this time, the clinical significance of this variant is uncertain due to the absence of conclusive functional and genetic evidence.

Ambry Genetics
Classification: Uncertain significance. Last evaluated: 2025-11-19. Review status: criteria provided, single submitter. Criteria: Ambry Variant Classification Scheme 2023. Collection method: clinical testing. Allele origin: germline.

Labcorp Genetics (formerly Invitae), Labcorp
Classification: Uncertain significance. Last evaluated: 2024-12-23. Review status: criteria provided, single submitter. Criteria: Invitae Variant Classification Sherloc (09022015). Collection method: clinical testing. Allele origin: germline.
Comment: This sequence change replaces proline, which is neutral and non-polar, with arginine, which is basic and polar, at codon 75 of the MTMR14 protein (p.Pro75Arg). This variant is not present in population databases (gnomAD no frequency). This variant has not been reported in the literature in individuals affected with MTMR14-related conditions. Invitae Evidence Modeling of protein sequence and biophysical properties (such as structural, functional, and spatial information, amino acid conservation, physicochemical variation, residue mobility, and thermodynamic stability) indicates that this missense variant is not expected to disrupt MTMR14 protein function with a negative predictive value of 80%. In summary, the available evidence is currently insufficient to determine the role of this variant in disease. Therefore, it has been classified as a Variant of Uncertain Significance.

NM_001077525.3(MTMR14):c.224C>G (p.Pro75Arg)

Gene: MTMR14 (myotubularin related protein 14; plus strand). Cytogenetic location: 3p25.3.
Variant type: single nucleotide variant.
Coding change: c.224C>G on transcript NM_001077525.3 (MANE Select); coding-DNA position 224, C replaced by G.
Protein change: p.Pro75Arg; replaces proline 75 with arginine.
Molecular consequence: missense variant. On other transcripts: non-coding transcript variant (8), intron variant (6), 5 prime UTR variant (14).
Genome position (GRCh38, 1-based): chr3:9,653,685, C>G. VCF-style: chr3-9653685-C-G. GRCh37 (hg19) VCF-style: chr3-9695369-C-G.
Other names: c.26+3943C>G (NM_001400525.1, NM_001400529.1, NM_001400532.1 and 1 more transcripts); c.-198+3943C>G (NM_001400535.1); c.-169+3943C>G (NM_001400543.1); c.224C>G, p.Pro75Arg (NM_001077526.3, NM_001400519.1, NM_001400520.1 and 9 more transcripts); c.293C>G, p.Pro98Arg (NM_001400518.1, NM_001400521.1, NM_001400526.1); c.-282C>G (NM_001400533.1, NM_001400539.1, NM_001400545.1); c.-343C>G (NM_001400534.1, NM_001400538.1, NM_001400541.1 and 3 more transcripts); c.-310C>G (NM_001400540.1); and 5 more; short protein forms P98R, P75R.
Identifiers: ClinVar variation 3709250 (VCV003709250.4).
Genomic context (GRCh38, chr3:9,653,685, plus strand): 5'-AGCGCATTGAGAAGAGATGTCTGGAGCTGTTTGGCCGAGACTACTGTTTCAGCGTGATTC[C>G]AAACACGAATGGGGATATCTGTGGCCACTATCCCCGGCACATCGTGTTCCTGGAGTATGA-3'
Protein context (NP_001070993.1, residues 65-85): FGRDYCFSVI[Pro75Arg]NTNGDICGHY